The following is an entry in ClinVar:

ClinVar aggregate classification (germline): Uncertain significance. Review status: criteria provided, multiple submitters, no conflicts (2 of 4 stars). 2 submissions from 2 submitters: Uncertain significance (2). Last evaluated 2025-07-23.

gnomAD v4.1: 2 of 1,095,012 alleles (0.00018%); highest among the groups gnomAD compares: South Asian, 0.0016%; no homozygotes.

Submissions (2):

GeneDx
Classification: Uncertain significance. Last evaluated: 2025-07-23. Review status: criteria provided, single submitter. Criteria: GeneDx Variant Classification Process June 2021. Collection method: clinical testing. Allele origin: germline. Affected: yes.
Comment: Not observed at significant frequency in large population cohorts (gnomAD); In silico analysis suggests that this missense variant does not alter protein structure/function; Has not been previously published as pathogenic or benign to our knowledge

Blueprint Genetics
Classification: Uncertain significance. Last evaluated: 2021-01-12. Review status: criteria provided, single submitter. Criteria: ACMG Guidelines, 2015. Collection method: clinical testing. Allele origin: germline.

NM_014727.3(KMT2B):c.1328C>T (p.Ser443Phe)

Gene: KMT2B (lysine methyltransferase 2B; plus strand). Cytogenetic location: 19q13.12.
Variant type: single nucleotide variant.
Coding change: c.1328C>T on transcript NM_014727.3 (MANE Select); coding-DNA position 1328, C replaced by T.
Protein change: p.Ser443Phe; replaces serine 443 with phenylalanine.
Molecular consequence: missense variant.
Genome position (GRCh38, 1-based): chr19:35,720,675, C>T. VCF-style: chr19-35720675-C-T. GRCh37 (hg19) VCF-style: chr19-36211577-C-T.
Other names: short protein forms S443F.
Identifiers: ClinVar variation 4686820 (VCV004686820.2).